The following is an entry in ClinVar:

ClinVar aggregate classification (germline): Uncertain significance (1 of 4 stars; one submission).

Conditions:
Inborn genetic diseases. Identifiers: MedGen C0950123, MeSH D030342.

Submission:

Ambry Genetics
Classification: Uncertain significance for Inborn genetic diseases. Last evaluated: 2025-08-02. Review status: criteria provided, single submitter. Criteria: Ambry Variant Classification Scheme 2023. Collection method: clinical testing. Allele origin: germline.
Comment: The p.L1196S variant (also known as c.3587T>C), located in coding exon 24 of the ANKRD26 gene, results from a T to C substitution at nucleotide position 3587. The leucine at codon 1196 is replaced by serine, an amino acid with dissimilar properties. This amino acid position is conserved. In addition, the in silico prediction for this alteration is inconclusive. Based on the available evidence, the clinical significance of this variant remains unclear.

NM_014915.3(ANKRD26):c.3587T>C (p.Leu1196Ser)

Gene: ANKRD26 (ankyrin repeat domain containing 26; minus strand). Cytogenetic location: 10p12.1.
Variant type: single nucleotide variant.
Coding change: c.3587T>C on transcript NM_014915.3 (MANE Select); coding-DNA position 3587, T replaced by C.
Protein change: p.Leu1196Ser; replaces leucine 1196 with serine.
Molecular consequence: missense variant.
Genome position (GRCh38, 1-based): chr10:27,034,863, A>G on the plus strand (T>C on the coding strand, the complement: ANKRD26 is on the minus strand). VCF-style: chr10-27034863-A-G. GRCh37 (hg19) VCF-style: chr10-27323792-A-G.
Other names: c.3584T>C, p.Leu1195Ser (NM_001256053.2); short protein forms L1195S, L1196S.
Identifiers: ClinVar variation 4103993 (VCV004103993.1).
Genomic context (GRCh38, chr10:27,034,863, plus strand): 5'-TCTGCCTTTTCATTTTCATATTGATACTGTCTTTCTTTTAAGTGATTACATTCACTGATT[A>G]ACTCCTTATTTCTTTCTTCTAGCAGAAGACTTTGCTTTTCACTCTCAGCTTGAAGTTTTT-3'
Protein context (NP_055730.2, residues 1186-1206): SLLLEERNKE[Leu1196Ser]ISECNHLKER